The following is an entry in ClinVar:

ClinVar aggregate classification (germline): Uncertain significance (1 of 4 stars; one submission).

Conditions:
Inborn genetic diseases. Identifiers: MedGen C0950123, MeSH D030342.

Submission:

Ambry Genetics
Classification: Uncertain significance for Inborn genetic diseases. Last evaluated: 2025-05-31. Review status: criteria provided, single submitter. Criteria: Ambry Variant Classification Scheme 2023. Collection method: clinical testing. Allele origin: germline.
Comment: The p.H173Y variant (also known as c.517C>T), located in coding exon 5 of the RTEL1 gene, results from a C to T substitution at nucleotide position 517. The histidine at codon 173 is replaced by tyrosine, an amino acid with similar properties. This amino acid position is conserved. In addition, this alteration is predicted to be tolerated by in silico analysis. Based on the available evidence, the clinical significance of this variant remains unclear.

NM_001283009.2(RTEL1):c.517C>T (p.His173Tyr)

Genes: RTEL1 (regulator of telomere elongation helicase 1; plus strand), RTEL1-TNFRSF6B (RTEL1-TNFRSF6B readthrough (NMD candidate); plus strand). Cytogenetic location: 20q13.33.
Variant type: single nucleotide variant.
Coding change: c.517C>T on transcript NM_001283009.2 (MANE Select); coding-DNA position 517, C replaced by T.
Protein change: p.His173Tyr; replaces histidine 173 with tyrosine.
Molecular consequence: missense variant. On other transcripts: non-coding transcript variant (1), 5 prime UTR variant (1).
Genome position (GRCh38, 1-based): chr20:63,662,868, C>T. VCF-style: chr20-63662868-C-T. GRCh37 (hg19) VCF-style: chr20-62294221-C-T.
Other names: c.-153C>T (NM_001283010.1); c.517C>T, p.His173Tyr (NM_016434.4); c.589C>T, p.His197Tyr (NM_032957.5); short protein forms H173Y, H197Y.
Identifiers: ClinVar variation 3948435 (VCV003948435.1).